The following is an entry in ClinVar:

ClinVar aggregate classification (germline): Uncertain significance (1 of 4 stars; one submission).

gnomAD v4.1: 2 of 1,576,914 alleles (0.00013%); highest among the groups gnomAD compares: Non-Finnish European, 0.00017%; no homozygotes.

Submission:

Labcorp Genetics (formerly Invitae), Labcorp
Classification: Uncertain significance. Last evaluated: 2021-05-26. Review status: criteria provided, single submitter. Criteria: Invitae Variant Classification Sherloc (09022015). Collection method: clinical testing. Allele origin: germline.
Comment: In summary, the available evidence is currently insufficient to determine the role of this variant in disease. Therefore, it has been classified as a Variant of Uncertain Significance. Algorithms developed to predict the effect of missense changes on protein structure and function output the following: SIFT: "Tolerated"; PolyPhen-2: "Benign"; Align-GVGD: "Class C0". The alanine amino acid residue is found in multiple mammalian species, suggesting that this missense change does not adversely affect protein function. These predictions have not been confirmed by published functional studies and their clinical significance is uncertain. This variant has not been reported in the literature in individuals with NSMCE3-related conditions. This variant is not present in population databases (ExAC no frequency). This sequence change replaces proline with alanine at codon 63 of the NSMCE3 protein (p.Pro63Ala). The proline residue is weakly conserved and there is a small physicochemical difference between proline and alanine.

NM_138704.4(NSMCE3):c.187C>G (p.Pro63Ala)

Genes: ENTREP2 (endosomal transmembrane epsin interactor 2; minus strand), NSMCE3 (NSE3 component of SMC5/6 complex; minus strand). Cytogenetic location: 15q13.1.
Variant type: single nucleotide variant.
Coding change: c.187C>G on transcript NM_138704.4 (MANE Select); coding-DNA position 187, C replaced by G.
Protein change: p.Pro63Ala; replaces proline 63 with alanine.
Molecular consequence: missense variant. On other transcripts: intron variant (5).
Genome position (GRCh38, 1-based): chr15:29,269,519, G>C on the plus strand (C>G on the coding strand, the complement: NSMCE3 is on the minus strand). VCF-style: chr15-29269519-G-C. GRCh37 (hg19) VCF-style: chr15-29561723-G-C.
Other names: c.-12-17041C>G (NM_001387217.1, NM_001387215.1, NM_001387216.1); c.277-17041C>G (NM_001387214.1, NM_015307.2); short protein forms P63A.
Identifiers: ClinVar variation 1489157 (VCV001489157.8), dbSNP rs750562363, ClinGen allele CA391484748.
Genomic context (GRCh38, chr15:29,269,519, plus strand): 5'-TCTGGCTCCTGGGCCCCACGGCGGGGGCGGCCTGGGCCCGGCGGGCGCCCTGAGGCGAGG[G>C]GCCCTGCGACCCCTGCGAGCCGCCCGGCCCGCGGGACGTGCTCGGGGCCTCCTCGGCAAA-3'
Protein context (NP_619649.1, residues 53-73): GPGGSQGSQG[Pro63Ala]SPQGARRAQA